The following is an entry in ClinVar:

ClinVar aggregate classification (germline): Likely benign (1 of 4 stars; one submission).

Allele frequency attached by ClinVar (database versions not stated): 1000 Genomes Project 0.00200; 1000 Genomes Project 30x 0.00219; TOPMed 0.00382; gnomAD exomes 0.00396; ExAC 0.00431; ESP Exome Variant Server 0.00342; gnomAD 0.00342.
gnomAD v4.1: 6,384 of 1,606,770 alleles (0.4%); highest among the groups gnomAD compares: Middle Eastern, 4%; 35 homozygotes.

Submission:

CeGaT Center for Human Genetics Tuebingen
Classification: Likely benign. Last evaluated: 2026-02-01. Review status: criteria provided, single submitter. Criteria: CeGaT Center For Human Genetics Tuebingen Variant Classification Criteria Version 2. Collection method: clinical testing. Allele origin: germline. Affected: yes. Observed: 2 variant alleles.
Comment: RIMS2: BP4, BS2

NM_001348484.3(RIMS2):c.3269+8822G>A

Gene: RIMS2 (regulating synaptic membrane exocytosis 2; plus strand). Cytogenetic location: 8q22.3.
Variant type: single nucleotide variant.
Coding change: c.3269+8822G>A on transcript NM_001348484.3 (MANE Select); 8822 bases into the intron after coding-DNA position 3269, G replaced by A.
Molecular consequence: intron variant. On other transcripts: missense variant (10).
Genome position (GRCh38, 1-based): chr8:103,998,243, G>A. VCF-style: chr8-103998243-G-A. GRCh37 (hg19) VCF-style: chr8-105010471-G-A.
Other names: c.3208G>A, p.Asp1070Asn (NM_001348486.2); c.3067G>A, p.Asp1023Asn (NM_001348487.2); c.3055G>A, p.Asp1019Asn (NM_001348489.2); c.3196G>A, p.Asp1066Asn (NM_001348494.2); c.2479G>A, p.Asp827Asn (NM_001348499.2, NM_001348500.2, NM_001348509.2 and 1 more transcripts); c.2620G>A, p.Asp874Asn (NM_001348505.2); c.3115G>A, p.Asp1039Asn (NM_001395652.1); c.3128+8822G>A (NM_001395654.1, NM_001348488.2, NM_001395653.1); and 9 more; short protein forms D1019N, D1023N, D1039N, D1066N, D1070N, D827N, D874N.
Identifiers: ClinVar variation 2658737 (VCV002658737.24), dbSNP rs182266368, ClinGen allele CA4837322.